The following is an entry in ClinVar:

NM_001038.6(SCNN1A):c.885_886del (p.His296fs)

Gene: SCNN1A (sodium channel epithelial 1 subunit alpha; minus strand). Cytogenetic location: 12p13.31.
Variant type: Microsatellite.
Coding change: c.885_886del on transcript NM_001038.6 (MANE Select); coding-DNA positions 885 to 886, 2 bases deleted (TC; older notation c.885_886delTC).
Protein change: p.His296fs; shifts the reading frame from histidine 296.
Molecular consequence: frameshift variant.
Genome position (GRCh38, 1-based): chr12:6,355,870-6,355,871, GA deleted on the plus strand (TC on the coding strand, the reverse complement: SCNN1A is on the minus strand); deleting any 2 consecutive bases within chr12:6,355,870-6,355,874 gives the same sequence; the c. name uses the placement nearest the transcript's 3' end. VCF-style (leftmost placement, unchanged base first): chr12-6355869-TGA-T. GRCh37 (hg19) VCF-style: chr12-6465035-TGA-T.
Other names: c.954_955del, p.His319fs (NM_001159575.2); c.1062_1063del, p.His355fs (NM_001159576.2); short protein forms H355fs, H296fs, H319fs.
Identifiers: ClinVar variation 4770926 (VCV004770926.1).

ClinVar aggregate classification (germline): Pathogenic (1 of 4 stars; one submission).

Submission:

Labcorp Genetics (formerly Invitae), Labcorp
Classification: Pathogenic. Last evaluated: 2025-05-12. Review status: criteria provided, single submitter. Criteria: Invitae Variant Classification Sherloc (09022015). Collection method: clinical testing. Allele origin: germline.
Comment: This sequence change creates a premature translational stop signal (p.His296Leufs*14) in the SCNN1A gene. It is expected to result in an absent or disrupted protein product. Loss-of-function variants in SCNN1A are known to be pathogenic (PMID: 10403853, 23416952). This variant is not present in population databases (gnomAD no frequency). This variant has not been reported in the literature in individuals affected with SCNN1A-related conditions. For these reasons, this variant has been classified as Pathogenic.

Literature cited by the submitters: PubMed 10403853; PubMed 23416952.